The following is an entry in ClinVar:

ClinVar aggregate classification (germline): Likely benign (1 of 4 stars; one submission).

Conditions:
Autosomal dominant nonsyndromic hearing loss 1. Also called: DEAFNESS, AUTOSOMAL DOMINANT 1, WITH OR WITHOUT THROMBOCYTOPENIA; KONIGSMARK SYNDROME. Identifiers: Orphanet 90635, MedGen C1852282, MONDO:0007424, OMIM 124900.

Allele frequency attached by ClinVar (database versions not stated): 1000 Genomes Project 30x 0.00031; 1000 Genomes Project 0.00040; TOPMed 0.00058.
gnomAD v4.1: 117 of 593,776 alleles (0.02%); highest among the groups gnomAD compares: African/African-American, 0.2%; 1 homozygote.

Submission:

Illumina Laboratory Services, Illumina
Classification: Likely benign for Autosomal dominant nonsyndromic hearing loss 1. Last evaluated: 2018-01-13. Review status: criteria provided, single submitter. Criteria: ICSL Variant Classification Criteria 13 December 2019. Collection method: clinical testing. Allele origin: germline.
Comment: This variant was observed in the ICSL laboratory as part of a predisposition screen in an ostensibly healthy population. It had not been previously curated by ICSL or reported in the Human Gene Mutation Database (HGMD: prior to June 1st, 2018), and was therefore a candidate for classification through an automated scoring system. Utilizing variant allele frequency, disease prevalence and penetrance estimates, and inheritance mode, an automated score was calculated to assess if this variant is too frequent to cause the disease. Based on the score and internal cut-off values, a variant classified as likely benign is not then subjected to further curation. The score for this variant resulted in a classification of likely benign for this disease.

NM_005219.5(DIAPH1):c.*224G>A

Gene: DIAPH1 (diaphanous related formin 1; minus strand). Cytogenetic location: 5q31.3.
Variant type: single nucleotide variant.
Coding change: c.*224G>A on transcript NM_005219.5 (MANE Select); 224 bases downstream of the stop codon, G replaced by A.
Molecular consequence: 3 prime UTR variant.
Genome position (GRCh38, 1-based): chr5:141,516,627, C>T on the plus strand (G>A on the coding strand, the complement: DIAPH1 is on the minus strand). VCF-style: chr5-141516627-C-T. GRCh37 (hg19) VCF-style: chr5-140896194-C-T.
Other names: c.*224G>A (NM_001079812.3); c.*343G>A (NM_001314007.2).
Identifiers: ClinVar variation 976574 (VCV000976574.4), dbSNP rs182541836, ClinGen allele CA128420444.